The following is an entry in ClinVar:

NM_000127.3(EXT1):c.66T>C (p.Tyr22=)

Gene: EXT1 (exostosin glycosyltransferase 1; minus strand). Cytogenetic location: 8q24.11.
Variant type: single nucleotide variant.
Coding change: c.66T>C on transcript NM_000127.3 (MANE Select); coding-DNA position 66, T replaced by C.
Protein change: p.Tyr22=; no amino-acid change (tyrosine 22 retained).
Molecular consequence: synonymous variant.
Genome position (GRCh38, 1-based): chr8:118,110,981, A>G on the plus strand (T>C on the coding strand, the complement: EXT1 is on the minus strand). VCF-style: chr8-118110981-A-G. GRCh37 (hg19) VCF-style: chr8-119123220-A-G.
Identifiers: ClinVar variation 910930 (VCV000910930.11), dbSNP rs764093488, ClinGen allele CA4854434.

ClinVar aggregate classification (germline): Likely benign. Review status: criteria provided, multiple submitters, no conflicts (2 of 4 stars). 2 submissions from 2 submitters: Likely benign (2). Last evaluated 2025-11-05.

Conditions:
Multiple congenital exostosis (EXT). Also called: MULTIPLE CARTILAGINOUS EXOSTOSES; Multiple exostoses; Hereditary multiple osteochondromas; Hereditary multiple exostoses; Hereditary multiple exostosis; Multiple osteochondromas. Identifiers: Orphanet 321, MedGen C0015306, MONDO:0005508, HP:0002762.

Allele frequency attached by ClinVar (database versions not stated): gnomAD 0.00002 and 0.00003; gnomAD exomes 0.00003 and 0.00005; ExAC 0.00004; TOPMed 0.00007.
gnomAD v4.1: 41 of 1,610,122 alleles (0.0025%); highest among the groups gnomAD compares: East Asian, 0.089%; no homozygotes.

Submissions (2):

Labcorp Genetics (formerly Invitae), Labcorp
Classification: Likely benign for Multiple congenital exostosis. Last evaluated: 2025-11-05. Review status: criteria provided, single submitter. Criteria: Invitae Variant Classification Sherloc (09022015). Collection method: clinical testing. Allele origin: germline.

Illumina Laboratory Services, Illumina
Classification: Likely benign for Exostoses, multiple, type 1. Last evaluated: 2018-01-13. Review status: criteria provided, single submitter. Criteria: ICSL Variant Classification Criteria 13 December 2019. Collection method: clinical testing. Allele origin: germline.
Comment: This variant was observed in the ICSL laboratory as part of a predisposition screen in an ostensibly healthy population. It had not been previously curated by ICSL or reported in the Human Gene Mutation Database (HGMD: prior to June 1st, 2018), and was therefore a candidate for classification through an automated scoring system. Utilizing variant allele frequency, disease prevalence and penetrance estimates, and inheritance mode, an automated score was calculated to assess if this variant is too frequent to cause the disease. Based on the score and internal cut-off values, a variant classified as likely benign is not then subjected to further curation. The score for this variant resulted in a classification of likely benign for this disease.